The following is an entry in ClinVar:

NM_000081.4(LYST):c.6632C>G (p.Pro2211Arg)

Gene: LYST (lysosomal trafficking regulator; minus strand). Cytogenetic location: 1q42.3.
Variant type: single nucleotide variant.
Coding change: c.6632C>G on transcript NM_000081.4 (MANE Select); coding-DNA position 6632, C replaced by G.
Protein change: p.Pro2211Arg; replaces proline 2211 with arginine.
Molecular consequence: missense variant.
Genome position (GRCh38, 1-based): chr1:235,759,221, G>C on the plus strand (C>G on the coding strand, the complement: LYST is on the minus strand). VCF-style: chr1-235759221-G-C. GRCh37 (hg19) VCF-style: chr1-235922521-G-C.
Other names: p.Pro2211Arg; c.6632C>G, p.Pro2211Arg (NM_001301365.1); c.6632C>G (NM_000081.2); short protein forms P2211R.
Identifiers: ClinVar variation 525190 (VCV000525190.19), dbSNP rs138972355, ClinGen allele CA1466341.

ClinVar aggregate classification (germline): Benign/Likely benign. Review status: criteria provided, multiple submitters, no conflicts (2 of 4 stars). 6 submissions from 6 submitters: Benign (1); Likely benign (4). 1 of the submissions does not count toward it. Last evaluated 2026-01-18.

Conditions:
LYST-related disorder. Also called: LYST-related condition.
Chédiak-Higashi syndrome (CHS). Also called: Chediak-Higashi Syndrome. Identifiers: Orphanet 167, MedGen C0007965, MONDO:0008963, OMIM 214500.
Inborn genetic diseases. Identifiers: MedGen C0950123, MeSH D030342.

Allele frequency attached by ClinVar (database versions not stated): gnomAD exomes 0.00010 and 0.00022; ExAC 0.00028; ESP Exome Variant Server 0.00100; TOPMed 0.00108 and 0.00112; gnomAD 0.00113 and 0.00140.
gnomAD v4.1: 323 of 1,614,112 alleles (0.02%); highest among the groups gnomAD compares: African/African-American, 0.41%; 3 homozygotes.

Submissions (6):

Labcorp Genetics (formerly Invitae), Labcorp
Classification: Likely benign for Chédiak-Higashi syndrome. Last evaluated: 2026-01-18. Review status: criteria provided, single submitter. Criteria: Invitae Variant Classification Sherloc (09022015). Collection method: clinical testing. Allele origin: germline.

Women's Health and Genetics/Laboratory Corporation of America, LabCorp
Classification: Likely benign. Last evaluated: 2024-11-18. Review status: criteria provided, single submitter. Criteria: LabCorp Variant Classification Summary - May 2015. Collection method: clinical testing. Allele origin: germline.
Comment: Variant summary: LYST c.6632C>G (p.Pro2211Arg) results in a non-conservative amino acid change in the encoded protein sequence. Four of five in-silico tools predict a benign effect of the variant on protein function. The variant allele was found at a frequency of 0.00022 in 250946 control chromosomes, predominantly at a frequency of 0.0031 within the African or African-American subpopulation in the gnomAD database, including 1 homozygotes. The observed variant frequency within African or African-American control individuals in the gnomAD database is approximately 3 fold of the estimated maximal expected allele frequency for a pathogenic variant in LYST causing Chediak-Higashi Syndrome phenotype (0.0011). To our knowledge, no occurrence of c.6632C>G in individuals affected with Chediak-Higashi Syndrome and no experimental evidence demonstrating its impact on protein function have been reported. ClinVar contains an entry for this variant (Variation ID: 525190). Based on the evidence outlined above, the variant was classified as likely benign.

Mayo Clinic Laboratories, Mayo Clinic
Classification: Benign. Last evaluated: 2024-03-12. Review status: criteria provided, single submitter. Criteria: ACMG Guidelines, 2015. Collection method: clinical testing. Allele origin: germline. Observed: 5 variant alleles.
Comment: BS1, BS2, BP4_strong

Blueprint Genetics
Classification: Likely benign. Last evaluated: 2023-06-30. Review status: criteria provided, single submitter. Criteria: ACMG Guidelines, 2015. Collection method: clinical testing. Allele origin: germline.

Ambry Genetics
Classification: Likely benign for Inborn genetic diseases. Last evaluated: 2022-10-27. Review status: criteria provided, single submitter. Criteria: Ambry Variant Classification Scheme 2023. Collection method: clinical testing. Allele origin: germline.

PreventionGenetics, part of Exact Sciences
Classification: Likely benign for LYST-related condition. Last evaluated: 2021-08-02. Review status: no assertion criteria provided. Collection method: clinical testing. Allele origin: germline. Not counted in ClinVar's aggregate classification.
Comment: This variant is classified as likely benign based on ACMG/AMP sequence variant interpretation guidelines (Richards et al. 2015 PMID: 25741868, with internal and published modifications).